The following is an entry in ClinVar:

ClinVar aggregate classification (germline): Uncertain significance (1 of 4 stars; one submission).

Conditions:
Oto-palato-digital syndrome, type II (OPD2). Also called: FACIOPALATOOSSEOUS SYNDROME; OPD II SYNDROME; Otopalatodigital Syndrome, Type II; Otopalatodigital Syndrome Type 2 (FLNA-OPD2). Identifiers: Orphanet 669, Orphanet 90652, MedGen C1844696, MONDO:0010571, OMIM 304120.
Heterotopia, periventricular, X-linked dominant (PVNH1). Also called: PERIVENTRICULAR NODULAR HETEROTOPIA 1; X-linked periventricular heterotopia; PERIVENTRICULAR NODULAR HETEROTOPIA 4; HETEROTOPIA, PERIVENTRICULAR, 1. Identifiers: Orphanet 2149, Orphanet 82004, MedGen C1848213, MONDO:0010233, OMIM 300049.
Frontometaphyseal dysplasia (FMD1). Identifiers: Orphanet 1826, MedGen C0265293, MONDO:0015942.
Melnick-Needles syndrome (MNS). Also called: MELNICK-NEEDLES OSTEODYSPLASTY; OSTEODYSPLASTY OF MELNICK AND NEEDLES; Melnick-Needles Syndrome (FLNA-MNS). Identifiers: Orphanet 2484, MedGen C0025237, MONDO:0010650, OMIM 309350.

Submission:

Labcorp Genetics (formerly Invitae), Labcorp
Classification: Uncertain significance for Oto-palato-digital syndrome, type II; Heterotopia, periventricular, X-linked dominant; Frontometaphyseal dysplasia; Melnick-Needles syndrome. Last evaluated: 2024-07-29. Review status: criteria provided, single submitter. Criteria: Invitae Variant Classification Sherloc (09022015). Collection method: clinical testing. Allele origin: germline.
Comment: This sequence change replaces serine, which is neutral and polar, with arginine, which is basic and polar, at codon 1187 of the FLNA protein (p.Ser1187Arg). This variant is not present in population databases (gnomAD no frequency). This variant has not been reported in the literature in individuals affected with FLNA-related conditions. Advanced modeling of protein sequence and biophysical properties (such as structural, functional, and spatial information, amino acid conservation, physicochemical variation, residue mobility, and thermodynamic stability) performed at Invitae indicates that this missense variant is not expected to disrupt FLNA protein function with a negative predictive value of 95%. In summary, the available evidence is currently insufficient to determine the role of this variant in disease. Therefore, it has been classified as a Variant of Uncertain Significance.

NM_001110556.2(FLNA):c.3561C>G (p.Ser1187Arg)

Gene: FLNA (filamin A; minus strand). Cytogenetic location: Xq28.
Variant type: single nucleotide variant.
Coding change: c.3561C>G on transcript NM_001110556.2 (MANE Select); coding-DNA position 3561, C replaced by G.
Protein change: p.Ser1187Arg; replaces serine 1187 with arginine.
Molecular consequence: missense variant.
Genome position (GRCh38, 1-based): chrX:154,360,234, G>C on the plus strand (C>G on the coding strand, the complement: FLNA is on the minus strand). VCF-style: chrX-154360234-G-C. GRCh37 (hg19) VCF-style: chrX-153588602-G-C.
Other names: c.3561C>G, p.Ser1187Arg (NM_001456.4); short protein forms S1187R.
Identifiers: ClinVar variation 2943625 (VCV002943625.3), dbSNP rs1396701849, ClinGen allele CA415224395.